The following is an entry in ClinVar:

ClinVar aggregate classification (germline): Likely benign (1 of 4 stars; one submission).

Allele frequency attached by ClinVar (database versions not stated): gnomAD exomes 0.00001; gnomAD 0.00002 and 0.00001; TOPMed 0.00002.
gnomAD v4.1: 8 of 1,361,744 alleles (0.00059%); highest among the groups gnomAD compares: Middle Eastern, 0.08%; no homozygotes.

Submission:

GeneDx
Classification: Likely benign. Last evaluated: 2017-01-23. Review status: criteria provided, single submitter. Criteria: GeneDx Variant Classification (06012015). Collection method: clinical testing. Allele origin: germline. Affected: yes.
Comment: This variant is considered likely benign or benign based on one or more of the following criteria: it is a conservative change, it occurs at a poorly conserved position in the protein, it is predicted to be benign by multiple in silico algorithms, and/or has population frequency not consistent with disease.

NM_001034850.3(RETREG1):c.-16G>A

Genes: RETREG1 (reticulophagy regulator 1; minus strand), RETREG1-AS1 (RETREG1 antisense RNA 1; plus strand), LOC129993734 (ATAC-STARR-seq lymphoblastoid silent region 15947; plus strand). Cytogenetic location: 5p15.1.
Variant type: single nucleotide variant.
Coding change: c.-16G>A on transcript NM_001034850.3 (MANE Select); 16 bases upstream of the start codon, G replaced by A.
Molecular consequence: 5 prime UTR variant.
Genome position (GRCh38, 1-based): chr5:16,616,987, C>T on the plus strand (G>A on the coding strand, the complement: RETREG1 is on the minus strand). VCF-style: chr5-16616987-C-T. GRCh37 (hg19) VCF-style: chr5-16617096-C-T.
Identifiers: ClinVar variation 506856 (VCV000506856.1), dbSNP rs1439668821, ClinGen allele CA558342147.